The following is an entry in ClinVar:

NM_198253.3(TERT):c.1813G>A (p.Glu605Lys)

Gene: TERT (telomerase reverse transcriptase; minus strand). Cytogenetic location: 5p15.33.
Variant type: single nucleotide variant.
Coding change: c.1813G>A on transcript NM_198253.3 (MANE Select); coding-DNA position 1813, G replaced by A.
Protein change: p.Glu605Lys; replaces glutamic acid 605 with lysine.
Molecular consequence: missense variant. On other transcripts: non-coding transcript variant (2).
Genome position (GRCh38, 1-based): chr5:1,280,295, C>T on the plus strand (G>A on the coding strand, the complement: TERT is on the minus strand). VCF-style: chr5-1280295-C-T. GRCh37 (hg19) VCF-style: chr5-1280410-C-T.
Other names: c.1813G>A, p.Glu605Lys (NM_001193376.3); short protein forms E605K.
Identifiers: ClinVar variation 3805796 (VCV003805796.1).

ClinVar aggregate classification (germline): Uncertain significance (1 of 4 stars; one submission).

Conditions:
Dyskeratosis congenita. Identifiers: Orphanet 1775, MedGen C0265965, MONDO:0015780.

Submission:

Ambry Genetics
Classification: Uncertain significance for Dyskeratosis congenita. Last evaluated: 2025-02-16. Review status: criteria provided, single submitter. Criteria: Ambry Variant Classification Scheme 2023. Collection method: clinical testing. Allele origin: germline.
Comment: The p.E605K variant (also known as c.1813G>A), located in coding exon 4 of the TERT gene, results from a G to A substitution at nucleotide position 1813. The glutamic acid at codon 605 is replaced by lysine, an amino acid with similar properties. This amino acid position is conserved. In addition, the in silico prediction for this alteration is inconclusive. Based on the available evidence, the clinical significance of this variant remains unclear.